The following is an entry in ClinVar:

ClinVar aggregate classification (germline): Likely benign (1 of 4 stars; one submission).

Allele frequency attached by ClinVar (database versions not stated): ExAC 0.00036; gnomAD 0.00090; TOPMed 0.00103; ESP Exome Variant Server 0.00114; 1000 Genomes Project 0.00132; 1000 Genomes Project 30x 0.00146.
gnomAD v4.1: 274 of 1,211,905 alleles (0.023%); highest among the groups gnomAD compares: African/African-American, 0.28%; 2 homozygotes.

Submission:

CeGaT Center for Human Genetics Tuebingen
Classification: Likely benign. Last evaluated: 2022-12-01. Review status: criteria provided, single submitter. Criteria: CeGaT Center For Human Genetics Tuebingen Variant Classification Criteria Version 2. Collection method: clinical testing. Allele origin: germline. Affected: yes. Observed: 1 variant allele.
Comment: FAM9A: BP4, BS2

NM_174951.3(FAM9A):c.209A>G (p.Lys70Arg)

Gene: FAM9A (family with sequence similarity 9 member A; minus strand). Cytogenetic location: Xp22.31.
Variant type: single nucleotide variant.
Coding change: c.209A>G on transcript NM_174951.3 (MANE Select); coding-DNA position 209, A replaced by G.
Protein change: p.Lys70Arg; replaces lysine 70 with arginine.
Molecular consequence: missense variant.
Genome position (GRCh38, 1-based): chrX:8,798,977, T>C on the plus strand (A>G on the coding strand, the complement: FAM9A is on the minus strand). VCF-style: chrX-8798977-T-C. GRCh37 (hg19) VCF-style: chrX-8767018-T-C.
Other names: c.209A>G, p.Lys70Arg (NM_001171186.1); short protein forms K70R.
Identifiers: ClinVar variation 2659949 (VCV002659949.24), dbSNP rs138951356, ClinGen allele CA10344106.